The following continues an entry in ClinVar:

NM_000059.4(BRCA2):c.62A>G (p.Lys21Arg)

Gene: BRCA2. ClinVar aggregate classification (germline): Conflicting classifications of pathogenicity. Uncertain significance (8); Likely benign (3).

Submissions 10 to 14 of 14:

Ambry Genetics
Classification: Likely benign for Hereditary cancer-predisposing syndrome. Last evaluated: 2020-06-16. Review status: criteria provided, single submitter. Criteria: Ambry Variant Classification Scheme 2023. Collection method: clinical testing. Allele origin: germline.

Mendelics
Classification: Uncertain significance for Breast-ovarian cancer, familial, susceptibility to, 2. Last evaluated: 2019-05-28. Review status: criteria provided, single submitter. Criteria: Mendelics Assertion Criteria 2017. Collection method: clinical testing. Allele origin: unknown.

Counsyl
Classification: Uncertain significance for Breast-ovarian cancer, familial, susceptibility to, 2. Last evaluated: 2015-11-21. Review status: no assertion criteria provided. Collection method: clinical testing. Allele origin: unknown. Not counted in ClinVar's aggregate classification.

Sharing Clinical Reports Project (SCRP)
Classification: Uncertain significance for Breast-ovarian cancer, familial 2. Last evaluated: 2011-10-31. Review status: no assertion criteria provided. Collection method: clinical testing. Allele origin: germline. Not counted in ClinVar's aggregate classification.

Department of Pathology and Laboratory Medicine, Sinai Health System
Classification: Uncertain significance for Malignant tumor of breast. Review status: no assertion criteria provided. Collection method: clinical testing. Allele origin: unknown. Affected: yes. Study: The Canadian Open Genetics Repository (COGR). Not counted in ClinVar's aggregate classification.
Comment: The BRCA2 p.Lys21Arg variant was not identified in the literature, nor was it identified NHLBI Exome Sequencing Project, Fanconi Anemia Mutation Database (LOVD), COSMIC, ARUP Laboratories BRCA Mutations Database, GeneInsight-COGR, BIC, UMD, or the 1000 Genomes Project. The variant was identified in dbSNP (ID: rs397507367) as â€šÃ„ÃºWith Uncertain Significance Alleleâ€šÃ„Ã¹ and in the Exome Aggregation Consortium database (August 8, 2016) in 3 of 116410 chromosomes (frequency: 0.00003) in the African population but was not seen in East Asian, Finnish, European (non-Finnish), Latino and South Asian populations. Furthermore the variant was identified as Uncertain Significance in Clinvitae and Clinvar Databases by Invitae, Ambry Genetics, GeneDx and the Sharing Clinical Reports Project. The p.Lys21residue is not conserved in mammals and five out of five computational analyses (PolyPhen-2, SIFT, AlignGVGD, BLOSUM, MutationTaster) do not suggest a high likelihood of impact to the protein; however, this information is not predictive enough to rule out pathogenicity. The variant occurs outside of the splicing consensus sequence and one of five in silico or computational prediction software programs (SpliceSiteFinder, MaxEntScan, NNSPLICE, GeneSplicer, HumanSpliceFinder) predict the creation of a 3â€šÃ„Ã´ splice site. In summary, based on the above information, the clinical significance of this variant cannot be determined with certainty at this time. This variant is classified as a variant of uncertain significance.

Literature cited by the submitters: PubMed 32438681 (cited by 3 submitters); PubMed 29641532 (cited by Quest Diagnostics Nichols Institute San Juan Capistrano and Ambry Genetics); PubMed 29409476 (cited by 4 submitters); PubMed 25503501 (cited by 5 submitters); PubMed 25348012 (cited by 3 submitters); PubMed 22505045 (cited by 5 submitters); PubMed 33067490 (cited by Quest Diagnostics Nichols Institute San Juan Capistrano and Color Diagnostics, LLC DBA Color Health); PubMed 34326862 (cited by Quest Diagnostics Nichols Institute San Juan Capistrano); PubMed 36845387 (cited by Quest Diagnostics Nichols Institute San Juan Capistrano); PubMed 35402282 (cited by Quest Diagnostics Nichols Institute San Juan Capistrano and Color Diagnostics, LLC DBA Color Health); PubMed 32444794 (cited by 3 submitters); PubMed 28680148 (cited by Ambry Genetics); PubMed 29884841 (cited by Ambry Genetics).